The following is an entry in ClinVar:

NM_000038.6(APC):c.4372C>A (p.Pro1458Thr)

Gene: APC (APC regulator of Wnt signaling pathway; plus strand). Cytogenetic location: 5q22.2.
Variant type: single nucleotide variant.
Coding change: c.4372C>A on transcript NM_000038.6 (MANE Select); coding-DNA position 4372, C replaced by A.
Protein change: p.Pro1458Thr; replaces proline 1458 with threonine.
Molecular consequence: missense variant. On other transcripts: non-coding transcript variant (2).
Genome position (GRCh38, 1-based): chr5:112,839,966, C>A. VCF-style: chr5-112839966-C-A. GRCh37 (hg19) VCF-style: chr5-112175663-C-A.
Other names: c.4372C>A, p.Pro1458Thr (NM_001127510.3, NM_001354895.2, NM_001407450.1); c.4318C>A, p.Pro1440Thr (NM_001127511.3); c.4426C>A, p.Pro1476Thr (NM_001354896.2, NM_001407447.1, NM_001407448.1 and 1 more transcripts); c.4402C>A, p.Pro1468Thr (NM_001354897.2); c.4297C>A, p.Pro1433Thr (NM_001354898.2); c.4288C>A, p.Pro1430Thr (NM_001354899.2); c.4249C>A, p.Pro1417Thr (NM_001354900.2); c.4195C>A, p.Pro1399Thr (NM_001354901.2, NM_001407453.1); and 11 more; short protein forms P1074T, P1175T, P1298T, P1329T, P1332T, P1357T, P1367T, P1375T.
Identifiers: ClinVar variation 4801483 (VCV004801483.1).

ClinVar aggregate classification (germline): Uncertain significance (1 of 4 stars; one submission).

Conditions:
Familial adenomatous polyposis 1 (FAP1). Also called: FAMILIAL ADENOMATOUS POLYPOSIS 1, ATTENUATED; POLYPOSIS, ADENOMATOUS INTESTINAL. Identifiers: MedGen C2713442, MONDO:0021056, OMIM 175100. Disease mechanism: loss of function.

gnomAD v4.1: 2 of 1,614,080 alleles (0.00012%); highest among the groups gnomAD compares: Non-Finnish European, 0.00017%; no homozygotes.

Submission:

Labcorp Genetics (formerly Invitae), Labcorp
Classification: Uncertain significance for Familial adenomatous polyposis 1. Last evaluated: 2025-02-27. Review status: criteria provided, single submitter. Criteria: Invitae Variant Classification Sherloc (09022015). Collection method: clinical testing. Allele origin: germline.
Comment: This sequence change replaces proline, which is neutral and non-polar, with threonine, which is neutral and polar, at codon 1458 of the APC protein (p.Pro1458Thr). This variant is not present in population databases (gnomAD no frequency). This variant has not been reported in the literature in individuals affected with APC-related conditions. Invitae Evidence Modeling of protein sequence and biophysical properties (such as structural, functional, and spatial information, amino acid conservation, physicochemical variation, residue mobility, and thermodynamic stability) indicates that this missense variant is not expected to disrupt APC protein function with a negative predictive value of 95%. In summary, the available evidence is currently insufficient to determine the role of this variant in disease. Therefore, it has been classified as a Variant of Uncertain Significance.